The following is an entry in ClinVar:

NM_152701.5(ABCA13):c.4338dup (p.Pro1447fs)

Gene: ABCA13 (ATP binding cassette subfamily A member 13; plus strand). Cytogenetic location: 7p12.3.
Variant type: Duplication.
Coding change: c.4338dup on transcript NM_152701.5 (MANE Select); coding-DNA position 4338, one base duplicated (A; older notation c.4338dupA).
Protein change: p.Pro1447fs; shifts the reading frame from proline 1447.
Molecular consequence: frameshift variant.
Genome position (GRCh38, 1-based): chr7:48,274,004, A duplicated; the last of 7 consecutive A bases (chr7:48,273,998-48,274,004); duplicating any one gives the same sequence. VCF-style (leftmost placement, unchanged base first): chr7-48273997-T-TA. GRCh37 (hg19) VCF-style: chr7-48313594-T-TA.
Other names: short protein forms P1447fs.
Identifiers: ClinVar variation 419105 (VCV000419105.2), dbSNP rs781126037, ClinGen allele CA4256991.
Genomic context (GRCh38, chr7:48,273,997, plus strand): 5'-TCAGAGATATAGAAAACAAAATGAACTCTATATTAAAAATTGTAACTTGGGTGTTAAATA[T>TA]AAAAAAACCTCTTTGTTCATCAAATGGCTCACATATAAATTGTGTCAATATTTACTTGAA-3'

ClinVar aggregate classification (germline): Pathogenic (1 of 4 stars; one submission).

Submission:

GeneDx
Classification: Pathogenic. Last evaluated: 2015-06-03. Review status: criteria provided, single submitter. Criteria: GeneDx Variant Classification (06012015). Collection method: clinical testing. Allele origin: germline. Affected: yes.
Comment: The c.4338dupA duplication in the ABCA13 gene has not been reported previously as a pathogenic variant nor as a benign polymorphism, to our knowledge. The c.4338dupA duplication is predicted to cause loss of normal protein function either through protein truncation or nonsense-mediated mRNA decay. The c.4338dupA variant was not observed in approximately 5800 individuals of European and African American ancestry in the NHLBI Exome Sequencing Project, indicating it is not a commonbenign variant in these populations. We interpret c.4338dupA as a pathogenic variant.